The following is an entry in ClinVar:

NM_001267727.2(ARSG):c.1090A>G (p.Ser364Gly)

Gene: ARSG (arylsulfatase G; plus strand). Cytogenetic location: 17q24.2.
Variant type: single nucleotide variant.
Coding change: c.1090A>G on transcript NM_001267727.2 (MANE Select); coding-DNA position 1090, A replaced by G.
Protein change: p.Ser364Gly; replaces serine 364 with glycine.
Molecular consequence: missense variant.
Genome position (GRCh38, 1-based): chr17:68,385,171, A>G. VCF-style: chr17-68385171-A-G. GRCh37 (hg19) VCF-style: chr17-66381312-A-G.
Other names: c.1090A>G, p.Ser364Gly (NM_001352899.2, NM_001352900.2, NM_001352901.2 and 3 more transcripts); c.1087A>G, p.Ser363Gly (NM_001352903.2, NM_001352904.2, NM_001352905.2 and 2 more transcripts); c.1042A>G, p.Ser348Gly (NM_001352909.2); short protein forms S348G, S363G, S364G.
Identifiers: ClinVar variation 935406 (VCV000935406.7), dbSNP rs2080645961, ClinGen allele CA400744516.

ClinVar aggregate classification (germline): Uncertain significance (1 of 4 stars; one submission).

Submission:

Labcorp Genetics (formerly Invitae), Labcorp
Classification: Uncertain significance. Last evaluated: 2021-12-07. Review status: criteria provided, single submitter. Criteria: Invitae Variant Classification Sherloc (09022015). Collection method: clinical testing. Allele origin: germline.
Comment: This sequence change replaces serine, which is neutral and polar, with glycine, which is neutral and non-polar, at codon 364 of the ARSG protein (p.Ser364Gly). This variant is not present in population databases (gnomAD no frequency). This variant has not been reported in the literature in individuals affected with ARSG-related conditions. ClinVar contains an entry for this variant (Variation ID: 935406). Algorithms developed to predict the effect of missense changes on protein structure and function are either unavailable or do not agree on the potential impact of this missense change (SIFT: "Tolerated"; PolyPhen-2: "Possibly Damaging"; Align-GVGD: "Class C0"). Algorithms developed to predict the effect of sequence changes on RNA splicing suggest that this variant may disrupt the consensus splice site. In summary, the available evidence is currently insufficient to determine the role of this variant in disease. Therefore, it has been classified as a Variant of Uncertain Significance.